The following is an entry in ClinVar:

ClinVar aggregate classification (germline): Uncertain significance. Review status: criteria provided, multiple submitters, no conflicts (2 of 4 stars). 2 submissions from 2 submitters: Uncertain significance (2). Last evaluated 2025-08-08.

Conditions:
Inborn genetic diseases. Identifiers: MedGen C0950123, MeSH D030342.

Allele frequency attached by ClinVar (database versions not stated): gnomAD exomes below 0.00001; ExAC 0.00001; gnomAD 0.00001; 1000 Genomes Project 30x 0.00016.
gnomAD v4.1: 2 of 1,610,436 alleles (0.00012%); highest among the groups gnomAD compares: Non-Finnish European, 0.00017%; no homozygotes.

Submissions (2):

Ambry Genetics
Classification: Uncertain significance for Inborn genetic diseases. Last evaluated: 2025-08-08. Review status: criteria provided, single submitter. Criteria: Ambry Variant Classification Scheme 2023. Collection method: clinical testing. Allele origin: germline.

Labcorp Genetics (formerly Invitae), Labcorp
Classification: Uncertain significance. Last evaluated: 2022-02-28. Review status: criteria provided, single submitter. Criteria: Invitae Variant Classification Sherloc (09022015). Collection method: clinical testing. Allele origin: germline.
Comment: This sequence change replaces proline, which is neutral and non-polar, with arginine, which is basic and polar, at codon 1247 of the ABCC6 protein (p.Pro1247Arg). This variant is present in population databases (rs200242428, gnomAD 0.002%). In summary, the available evidence is currently insufficient to determine the role of this variant in disease. Therefore, it has been classified as a Variant of Uncertain Significance. Algorithms developed to predict the effect of missense changes on protein structure and function are either unavailable or do not agree on the potential impact of this missense change (SIFT: "Deleterious"; PolyPhen-2: "Benign"; Align-GVGD: "Class C0"). This variant has not been reported in the literature in individuals affected with ABCC6-related conditions.

NM_001171.6(ABCC6):c.3740C>G (p.Pro1247Arg)

Gene: ABCC6 (ATP binding cassette subfamily C member 6; minus strand). Cytogenetic location: 16p13.11.
Variant type: single nucleotide variant.
Coding change: c.3740C>G on transcript NM_001171.6 (MANE Select); coding-DNA position 3740, C replaced by G.
Protein change: p.Pro1247Arg; replaces proline 1247 with arginine.
Molecular consequence: missense variant. On other transcripts: non-coding transcript variant (1).
Genome position (GRCh38, 1-based): chr16:16,157,805, G>C on the plus strand (C>G on the coding strand, the complement: ABCC6 is on the minus strand). VCF-style: chr16-16157805-G-C. GRCh37 (hg19) VCF-style: chr16-16251662-G-C.
Other names: c.3740C>G (NM_001171.5); c.3398C>G, p.Pro1133Arg (NM_001351800.1); short protein forms P1247R, P1133R.
Identifiers: ClinVar variation 2037277 (VCV002037277.3), dbSNP rs200242428, ClinGen allele CA7925431.
Genomic context (GRCh38, chr16:16,157,805, plus strand): 5'-AACTCGATCTGCCCGCCCTGAGGCCAGGGGGGCTGAGCTGCACATGTGGGCAGCCTCCAG[G>C]GAGCCTGGAGCAGGAGGGGAAACTGAGTCAGAGGAGCCTTCCTCTAAGACTTCACACAAG-3'
Protein context (NP_001162.5, residues 1237-1257): QDYAWTPKEA[Pro1247Arg]WRLPTCAAQP